The following is an entry in ClinVar:

NM_000059.4(BRCA2):c.2068G>T (p.Glu690Ter)

Gene: BRCA2 (BRCA2 DNA repair associated; plus strand). Cytogenetic location: 13q13.1.
Variant type: single nucleotide variant.
Coding change: c.2068G>T on transcript NM_000059.4 (MANE Select); coding-DNA position 2068, G replaced by T.
Protein change: p.Glu690Ter; replaces glutamic acid 690 with a stop codon.
Molecular consequence: nonsense. On other transcripts: non-coding transcript variant (1), intron variant (2).
Genome position (GRCh38, 1-based): chr13:32,336,423, G>T. VCF-style: chr13-32336423-G-T. GRCh37 (hg19) VCF-style: chr13-32910560-G-T.
Other names: c.2068G>T, p.Glu690Ter (NM_001406719.1, NM_001406720.1, NM_001432077.1); c.1909+3036G>T (NM_001406721.1); c.424+5393G>T (NM_001406722.1); short protein forms E690*.
Identifiers: ClinVar variation 5033236 (VCV005033236.1).

ClinVar aggregate classification (germline): Pathogenic (1 of 4 stars; one submission).

Conditions:
Hereditary cancer-predisposing syndrome. Also called: Neoplastic Syndromes, Hereditary; Tumor predisposition; Hereditary neoplastic syndrome; Hereditary Cancer Syndrome. Identifiers: Orphanet 140162, MedGen C0027672, MeSH D009386, MONDO:0015356.

Submission:

Ambry Genetics
Classification: Pathogenic for Hereditary cancer-predisposing syndrome. Last evaluated: 2026-09-01. Review status: criteria provided, single submitter. Criteria: Ambry Variant Classification Scheme 2023. Collection method: clinical testing. Allele origin: germline.
Comment: The p.E690* pathogenic mutation (also known as c.2068G>T), located in coding exon 10 of the BRCA2 gene, results from a G to T substitution at nucleotide position 2068. This changes the amino acid from a glutamic acid to a stop codon within coding exon 10. This variant is considered to be rare based on population cohorts in the Genome Aggregation Database (gnomAD). This alteration is expected to result in loss of function by premature protein truncation or nonsense-mediated mRNA decay. As such, this alteration is interpreted as a disease-causing mutation.